The following is an entry in ClinVar:

NM_001244008.2(KIF1A):c.1244C>T (p.Ser415Leu)

Gene: KIF1A (kinesin family member 1A; minus strand). Cytogenetic location: 2q37.3.
Variant type: single nucleotide variant.
Coding change: c.1244C>T on transcript NM_001244008.2 (MANE Select); coding-DNA position 1244, C replaced by T.
Protein change: p.Ser415Leu; replaces serine 415 with leucine.
Molecular consequence: missense variant.
Genome position (GRCh38, 1-based): chr2:240,771,068, G>A on the plus strand (C>T on the coding strand, the complement: KIF1A is on the minus strand). VCF-style: chr2-240771068-G-A. GRCh37 (hg19) VCF-style: chr2-241710485-G-A.
Other names: c.1244C>T, p.Ser415Leu (NM_001320705.2, NM_001330289.2, NM_001379638.1); c.1319C>T, p.Ser440Leu (NM_001330290.2, NM_001379631.1, NM_001379634.1 and 2 more transcripts); c.1217C>T, p.Ser406Leu (NM_001379632.1, NM_001379633.1, NM_001379636.1 and 10 more transcripts); c.1292C>T, p.Ser431Leu (NM_001379637.1, NM_001379648.1); c.1217C>T (NM_004321.6); short protein forms S406L, S415L, S431L, S440L.
Identifiers: ClinVar variation 1481232 (VCV001481232.10), dbSNP rs867278675, ClinGen allele CA68175680.
Genomic context (GRCh38, chr2:240,771,068, plus strand): 5'-AACAAGATGCGCTCGTGGAGGCTGGACACGGAGGCCGCGCGGCTGGACAGGGCTGAGAGC[G>A]AGGATGAGGGGCTCATACCCACCAGGGCATTGGTCACTGTGGAGAGAGGGTCAGGGGCTT-3'
Protein context (NP_001230937.1, residues 405-425): NALVGMSPSS[Ser415Leu]LSALSSRAAS

ClinVar aggregate classification (germline): Uncertain significance. Review status: criteria provided, multiple submitters, no conflicts (2 of 4 stars). 3 submissions from 3 submitters: Uncertain significance (3). Last evaluated 2025-09-13.

Conditions:
Hereditary spastic paraplegia 30. Identifiers: Orphanet 101010, MedGen C5235139, MONDO:0012476.
Neuropathy, hereditary sensory, type 2C. Also called: KIF1A-Related HSAN2 (HSAN2C); Hereditary sensory and autonomic neuropathy type IIC. Identifiers: Orphanet 970, MedGen C3280168, MONDO:0013634, OMIM 614213.
Intellectual disability, autosomal dominant 9 (NESCAVS). Also called: KIF1A-Related Neurodevelopmental Disorder; NESCAV SYNDROME. Identifiers: Orphanet 662367, MedGen C5393830, MONDO:0013656, OMIM 614255.

Submissions (3):

Dasa
Classification: Uncertain significance. Last evaluated: 2025-09-13. Review status: criteria provided, single submitter. Criteria: DASA Assertion Criteria. Collection method: clinical testing. Allele origin: germline.
Comment: NM_001244008.2(KIF1A):c.1244C>T (p.Ser415Leu) is a missense variant that results in the substitution of serine with leucine. This variant is absent from population databases. The currently available literature and clinical evidence are not sufficient to establish a definitive association between this variant and the reported condition. Therefore, this variant is classified as a variant of uncertain significance.

Labcorp Genetics (formerly Invitae), Labcorp
Classification: Uncertain significance for Hereditary spastic paraplegia 30; Neuropathy, hereditary sensory, type 2C; Intellectual disability, autosomal dominant 9. Last evaluated: 2024-06-21. Review status: criteria provided, single submitter. Criteria: Invitae Variant Classification Sherloc (09022015). Collection method: clinical testing. Allele origin: germline.
Comment: This sequence change replaces serine, which is neutral and polar, with leucine, which is neutral and non-polar, at codon 406 of the KIF1A protein (p.Ser406Leu). This variant is not present in population databases (gnomAD no frequency). This variant has not been reported in the literature in individuals affected with KIF1A-related conditions. ClinVar contains an entry for this variant (Variation ID: 1481232). Advanced modeling of protein sequence and biophysical properties (such as structural, functional, and spatial information, amino acid conservation, physicochemical variation, residue mobility, and thermodynamic stability) performed at Invitae indicates that this missense variant is expected to disrupt KIF1A protein function with a positive predictive value of 95%. In summary, the available evidence is currently insufficient to determine the role of this variant in disease. Therefore, it has been classified as a Variant of Uncertain Significance.

GeneDx
Classification: Uncertain significance. Last evaluated: 2022-09-16. Review status: criteria provided, single submitter. Criteria: GeneDx Variant Classification Process June 2021. Collection method: clinical testing. Allele origin: germline. Affected: yes.
Comment: Not observed at significant frequency in large population cohorts (gnomAD); In silico analysis supports that this missense variant has a deleterious effect on protein structure/function; Has not been previously published as pathogenic or benign to our knowledge